The following is an entry in ClinVar:

ClinVar aggregate classification (germline): Pathogenic. Review status: criteria provided, multiple submitters, no conflicts (2 of 4 stars). 2 submissions from 2 submitters: Pathogenic (2). Last evaluated 2025-09-09.

Conditions:
Asphyxiating thoracic dystrophy 3. Also called: SHORT-RIB THORACIC DYSPLASIA 3 WITH OR WITHOUT POLYDACTYLY; POLYDACTYLY WITH NEONATAL CHONDRODYSTROPHY, TYPE I; SHORT-RIB THORACIC DYSPLASIA 3/6 WITH POLYDACTYLY, DIGENIC; Short rib polydactyly syndrome 2B; Saldino-Noonan Syndrome. Identifiers: Orphanet 474, Orphanet 93269, Orphanet 93270, Orphanet 93271, MedGen C0036069, MONDO:0013127, OMIM 613091.
Jeune thoracic dystrophy. Also called: Jeune syndrome; Infantile thoracic dystrophy; Thoracic pelvic phalangeal dystrophy; Jeune's syndrome; Chondroectodermal dysplasia-like syndrome; Short-rib thoracic dysplasia. Identifiers: Orphanet 474, MedGen C0265275, MONDO:0018770.

Allele frequency attached by ClinVar (database versions not stated): gnomAD exomes below 0.00001.
gnomAD v4.1: 4 of 1,603,148 alleles (0.00025%); highest among the groups gnomAD compares: Non-Finnish European, 0.00034%; no homozygotes.

Submissions (2):

Myriad Genetics, Inc.
Classification: Pathogenic for Asphyxiating thoracic dystrophy 3. Last evaluated: 2025-09-09. Review status: criteria provided, single submitter. Criteria: Myriad Autosomal Dominant, Autosomal Recessive and X-Linked Classification Criteria (2023). Collection method: clinical testing. Allele origin: unknown.
Comment: NM_001377.2(DYNC2H1):c.1903C>T(Q635*) is expected to be pathogenic in the context of DYNC2H1-related disorders. This variant is predicted to lead to an abnormal or absent protein product due to the creation of a premature termination codon in DYNC2H1, a gene where loss-of-function variants are known to be pathogenic. Please note: this variant was assessed in the context of healthy population screening.

Labcorp Genetics (formerly Invitae), Labcorp
Classification: Pathogenic for Jeune thoracic dystrophy. Last evaluated: 2023-12-02. Review status: criteria provided, single submitter. Criteria: Invitae Variant Classification Sherloc (09022015). Collection method: clinical testing. Allele origin: germline.
Comment: This sequence change creates a premature translational stop signal (p.Gln635*) in the DYNC2H1 gene. It is expected to result in an absent or disrupted protein product. Loss-of-function variants in DYNC2H1 are known to be pathogenic (PMID: 23339108, 32753734, 33755199). This variant is not present in population databases (gnomAD no frequency). This variant has not been reported in the literature in individuals affected with DYNC2H1-related conditions. For these reasons, this variant has been classified as Pathogenic.

Literature cited by the submitters: PubMed 23339108 (cited by Labcorp Genetics (formerly Invitae), Labcorp); PubMed 32753734 (cited by Labcorp Genetics (formerly Invitae), Labcorp); PubMed 33755199 (cited by Labcorp Genetics (formerly Invitae), Labcorp).

NM_001377.3(DYNC2H1):c.1903C>T (p.Gln635Ter)

Gene: DYNC2H1 (dynein cytoplasmic 2 heavy chain 1; plus strand). Cytogenetic location: 11q22.3.
Variant type: single nucleotide variant.
Coding change: c.1903C>T on transcript NM_001377.3 (MANE Select); coding-DNA position 1903, C replaced by T.
Protein change: p.Gln635Ter; replaces glutamine 635 with a stop codon.
Molecular consequence: nonsense.
Genome position (GRCh38, 1-based): chr11:103,128,955, C>T. VCF-style: chr11-103128955-C-T. GRCh37 (hg19) VCF-style: chr11-102999684-C-T.
Other names: c.1903C>T, p.Gln635Ter (NM_001080463.2); short protein forms Q635*.
Identifiers: ClinVar variation 2897581 (VCV002897581.4), dbSNP rs2496875947, ClinGen allele CA382256302.